The following is an entry in ClinVar:

NM_014003.4(DHX38):c.1418C>A (p.Thr473Asn)

Gene: DHX38 (DEAH-box helicase 38; plus strand). Cytogenetic location: 16q22.2.
Variant type: single nucleotide variant.
Coding change: c.1418C>A on transcript NM_014003.4 (MANE Select); coding-DNA position 1418, C replaced by A.
Protein change: p.Thr473Asn; replaces threonine 473 with asparagine.
Molecular consequence: missense variant.
Genome position (GRCh38, 1-based): chr16:72,101,531, C>A. VCF-style: chr16-72101531-C-A. GRCh37 (hg19) VCF-style: chr16-72135430-C-A.
Other names: short protein forms T473N.
Identifiers: ClinVar variation 2095483 (VCV002095483.4), dbSNP rs2507097794, ClinGen allele CA396706712.
Genomic context (GRCh38, chr16:72,101,531, plus strand): 5'-TGGAGCAGACTGACCTTTTTCCTTTTCAGGCTCAGCACAAACACTGGGAACTGGCGGGGA[C>A]CAAACTGGGAGATATAATGGGCGTCAAGAAGGAGGAAGAGCCAGATAAAGCTGTGACGGA-3'
Protein context (NP_054722.2, residues 463-483): AQHKHWELAG[Thr473Asn]KLGDIMGVKK

ClinVar aggregate classification (germline): Uncertain significance (1 of 4 stars; one submission).

Allele frequency attached by ClinVar (database versions not stated): gnomAD exomes below 0.00001.
gnomAD v4.1: 4 of 1,551,988 alleles (0.00026%); highest among the groups gnomAD compares: Non-Finnish European, 0.00035%; no homozygotes.

Submission:

Labcorp Genetics (formerly Invitae), Labcorp
Classification: Uncertain significance. Last evaluated: 2022-03-18. Review status: criteria provided, single submitter. Criteria: Invitae Variant Classification Sherloc (09022015). Collection method: clinical testing. Allele origin: germline.
Comment: Algorithms developed to predict the effect of missense changes on protein structure and function (SIFT, PolyPhen-2, Align-GVGD) all suggest that this variant is likely to be disruptive. This sequence change replaces threonine, which is neutral and polar, with asparagine, which is neutral and polar, at codon 473 of the DHX38 protein (p.Thr473Asn). This variant is not present in population databases (gnomAD no frequency). This variant has not been reported in the literature in individuals affected with DHX38-related conditions. In summary, the available evidence is currently insufficient to determine the role of this variant in disease. Therefore, it has been classified as a Variant of Uncertain Significance.